The following is an entry in ClinVar:

NM_001267550.2(TTN):c.21442G>A (p.Val7148Ile)

Genes: TTN (titin; minus strand), LOC126806428 (BRD4-independent group 4 enhancer GRCh37_chr2:179588362-179589561; plus strand). Cytogenetic location: 2q31.2.
Variant type: single nucleotide variant.
Coding change: c.21442G>A on transcript NM_001267550.2 (MANE Select); coding-DNA position 21442, G replaced by A.
Protein change: p.Val7148Ile; replaces valine 7148 with isoleucine.
Molecular consequence: missense variant. On other transcripts: intron variant (3).
Genome position (GRCh38, 1-based): chr2:178,723,658, C>T on the plus strand (G>A on the coding strand, the complement: TTN is on the minus strand). VCF-style: chr2-178723658-C-T. GRCh37 (hg19) VCF-style: chr2-179588385-C-T.
Other names: c.17710G>A, p.Val5904Ile (NM_133378.4); c.13282+14424G>A (NM_003319.4); c.13858+14424G>A (NM_133437.4); c.13657+14424G>A (NM_133432.3); c.20491G>A, p.Val6831Ile (NM_001256850.1); short protein forms V5904I, V6831I, V7148I.
Identifiers: ClinVar variation 2651687 (VCV002651687.25), dbSNP rs778943017, ClinGen allele CA2001019.

ClinVar aggregate classification (germline): Uncertain significance. Review status: criteria provided, multiple submitters, no conflicts (2 of 4 stars). 2 submissions from 2 submitters: Uncertain significance (2). Last evaluated 2023-10-01.

Allele frequency attached by ClinVar (database versions not stated): gnomAD exomes below 0.00001; ExAC 0.00001; TOPMed 0.00001.
gnomAD v4.1: 5 of 1,604,946 alleles (0.00031%); highest among the groups gnomAD compares: Middle Eastern, 0.017%; no homozygotes.

Submissions (2):

CeGaT Center for Human Genetics Tuebingen
Classification: Uncertain significance. Last evaluated: 2023-10-01. Review status: criteria provided, single submitter. Criteria: CeGaT Center For Human Genetics Tuebingen Variant Classification Criteria Version 2. Collection method: clinical testing. Allele origin: germline. Affected: yes. Observed: 1 variant allele.
Comment: TTN: PM2, BP4

Breakthrough Genomics
Classification: Uncertain significance. Review status: criteria provided, single submitter. Criteria: ACMG Guidelines, 2015. Collection method: not provided. Allele origin: germline. Inheritance: Autosomal recessive inheritance. Affected: yes.